The following is an entry in ClinVar:

NM_006254.4(PRKCD):c.563A>G (p.Lys188Arg)

Gene: PRKCD (protein kinase C delta; plus strand). Cytogenetic location: 3p21.1.
Variant type: single nucleotide variant.
Coding change: c.563A>G on transcript NM_006254.4 (MANE Select); coding-DNA position 563, A replaced by G.
Protein change: p.Lys188Arg; replaces lysine 188 with arginine.
Molecular consequence: missense variant.
Genome position (GRCh38, 1-based): chr3:53,181,724, A>G. VCF-style: chr3-53181724-A-G. GRCh37 (hg19) VCF-style: chr3-53215740-A-G.
Other names: c.563A>G, p.Lys188Arg (NM_001316327.2, NM_001354679.2, NM_001354680.2 and 1 more transcripts); c.620A>G, p.Lys207Arg (NM_001354676.2); c.611A>G, p.Lys204Arg (NM_001354678.2); short protein forms K207R, K204R, K188R.
Identifiers: ClinVar variation 2883168 (VCV002883168.3), dbSNP rs1703449298, ClinGen allele CA353234700.
Genomic context (GRCh38, chr3:53,181,724, plus strand): 5'-CCCCGCTCACTCACTTTGCCTGGGTTTTGCCTTTCAGGGGCCTCAACAAGCAAGGCTACA[A>G]ATGCAGGCGTAAGTGTCTCCACAGGCCAGTTTGTACGTATGTACCCATGTGTGCTCACGT-3'
Protein context (NP_006245.2, residues 178-198): FVWGLNKQGY[Lys188Arg]CRQCNAAIHK

ClinVar aggregate classification (germline): Uncertain significance (1 of 4 stars; one submission).

Conditions:
Autoimmune lymphoproliferative syndrome, type III caused by mutation in PRKCD. Identifiers: Orphanet 3261, Orphanet 664711, MedGen C3809928, MONDO:8000024, OMIM 615559.

Allele frequency attached by ClinVar (database versions not stated): gnomAD exomes below 0.00001.

Submission:

Labcorp Genetics (formerly Invitae), Labcorp
Classification: Uncertain significance for Autoimmune lymphoproliferative syndrome, type III caused by mutation in PRKCD. Last evaluated: 2023-02-26. Review status: criteria provided, single submitter. Criteria: Invitae Variant Classification Sherloc (09022015). Collection method: clinical testing. Allele origin: germline.
Comment: This variant is not present in population databases (gnomAD no frequency). This variant has not been reported in the literature in individuals affected with PRKCD-related conditions. An algorithm developed to predict the effect of missense changes on protein structure and function (PolyPhen-2) suggests that this variant is likely to be disruptive. In summary, the available evidence is currently insufficient to determine the role of this variant in disease. Therefore, it has been classified as a Variant of Uncertain Significance. This sequence change replaces lysine, which is basic and polar, with arginine, which is basic and polar, at codon 188 of the PRKCD protein (p.Lys188Arg).